The following is an entry in ClinVar:

NM_017763.6(RNF43):c.1244G>A (p.Gly415Asp)

Gene: RNF43 (ring finger protein 43; minus strand). Cytogenetic location: 17q22.
Variant type: single nucleotide variant.
Coding change: c.1244G>A on transcript NM_017763.6 (MANE Select); coding-DNA position 1244, G replaced by A.
Protein change: p.Gly415Asp; replaces glycine 415 with aspartic acid.
Molecular consequence: missense variant.
Genome position (GRCh38, 1-based): chr17:58,358,532, C>T on the plus strand (G>A on the coding strand, the complement: RNF43 is on the minus strand). VCF-style: chr17-58358532-C-T. GRCh37 (hg19) VCF-style: chr17-56435893-C-T.
Other names: c.1244G>A, p.Gly415Asp (NM_001305544.3); c.863G>A, p.Gly288Asp (NM_001305545.2); short protein forms G288D, G415D.
Identifiers: ClinVar variation 3342498 (VCV003342498.2).

ClinVar aggregate classification (germline): Uncertain significance. Review status: criteria provided, multiple submitters, no conflicts (2 of 4 stars). 2 submissions from 2 submitters: Uncertain significance (2). Last evaluated 2025-01-09.

gnomAD v4.1: 13 of 1,613,062 alleles (0.00081%); highest among the groups gnomAD compares: Non-Finnish European, 0.001%; no homozygotes.

Submissions (2):

Ambry Genetics
Classification: Uncertain significance. Last evaluated: 2025-01-09. Review status: criteria provided, single submitter. Criteria: Ambry Variant Classification Scheme 2023. Collection method: clinical testing. Allele origin: germline.
Comment: The p.G415D variant (also known as c.1244G>A), located in coding exon 8 of the RNF43 gene, results from a G to A substitution at nucleotide position 1244. The glycine at codon 415 is replaced by aspartic acid, an amino acid with similar properties. This amino acid position is conserved. In addition, this alteration is predicted to be tolerated by in silico analysis. Based on the available evidence, the clinical significance of this variant remains unclear.

GeneDx
Classification: Uncertain significance. Last evaluated: 2022-04-18. Review status: criteria provided, single submitter. Criteria: GeneDx Variant Classification Process June 2021. Collection method: clinical testing. Allele origin: germline. Affected: yes.
Comment: In silico analysis supports that this missense variant does not alter protein structure/function; Has not been previously published as pathogenic or benign to our knowledge; Variants in candidate genes are classified as variants of uncertain significance in accordance with ACMG guidelines (Richards 2015)